The following is an entry in ClinVar:

ClinVar aggregate classification (germline): Uncertain significance. Review status: criteria provided, multiple submitters, no conflicts (2 of 4 stars). 2 submissions from 2 submitters: Uncertain significance (2). Last evaluated 2024-11-24.

Conditions:
Hereditary cancer-predisposing syndrome. Also called: Hereditary Cancer Syndrome; Hereditary neoplastic syndrome; Tumor predisposition; Neoplastic Syndromes, Hereditary. Identifiers: Orphanet 140162, MedGen C0027672, MeSH D009386, MONDO:0015356.
Cardiovascular phenotype. Identifiers: MedGen CN230736.

gnomAD v4.1: 1 of 1,612,204 alleles (0.000062%); highest among the groups gnomAD compares: Admixed American, 0.0017%; no homozygotes.

Submissions (2):

Labcorp Genetics (formerly Invitae), Labcorp
Classification: Uncertain significance. Last evaluated: 2024-11-24. Review status: criteria provided, single submitter. Criteria: Invitae Variant Classification Sherloc (09022015). Collection method: clinical testing. Allele origin: germline.
Comment: This sequence change replaces alanine, which is neutral and non-polar, with aspartic acid, which is acidic and polar, at codon 586 of the LZTR1 protein (p.Ala586Asp). This variant is present in population databases (rs755958130, gnomAD 0.003%). This variant has not been reported in the literature in individuals affected with LZTR1-related conditions. Invitae Evidence Modeling of protein sequence and biophysical properties (such as structural, functional, and spatial information, amino acid conservation, physicochemical variation, residue mobility, and thermodynamic stability) indicates that this missense variant is not expected to disrupt LZTR1 protein function with a negative predictive value of 80%. In summary, the available evidence is currently insufficient to determine the role of this variant in disease. Therefore, it has been classified as a Variant of Uncertain Significance.

Ambry Genetics
Classification: Uncertain significance for Cardiovascular phenotype; Hereditary cancer-predisposing syndrome. Last evaluated: 2024-10-11. Review status: criteria provided, single submitter. Criteria: Ambry Variant Classification Scheme 2023. Collection method: clinical testing. Allele origin: germline.
Comment: The p.A586D variant (also known as c.1757C>A), located in coding exon 15 of the LZTR1 gene, results from a C to A substitution at nucleotide position 1757. The alanine at codon 586 is replaced by aspartic acid, an amino acid with dissimilar properties. This amino acid position is conserved. In addition, this alteration is predicted to be deleterious by in silico analysis. Based on the available evidence, the clinical significance of this variant remains unclear.

NM_006767.4(LZTR1):c.1757C>A (p.Ala586Asp)

Gene: LZTR1 (leucine zipper like post translational regulator 1; plus strand). Cytogenetic location: 22q11.21.
Variant type: single nucleotide variant.
Coding change: c.1757C>A on transcript NM_006767.4 (MANE Select); coding-DNA position 1757, C replaced by A.
Protein change: p.Ala586Asp; replaces alanine 586 with aspartic acid.
Molecular consequence: missense variant.
Genome position (GRCh38, 1-based): chr22:20,994,699, C>A. VCF-style: chr22-20994699-C-A. GRCh37 (hg19) VCF-style: chr22-21348988-C-A.
Other names: short protein forms A586D.
Identifiers: ClinVar variation 3541643 (VCV003541643.3).